The following is an entry in ClinVar:

ClinVar aggregate classification (germline): Uncertain significance (1 of 4 stars; one submission).

Conditions:
Renal cell carcinoma (RCCP1). Identifiers: Orphanet 217071, MedGen C0007134, MeSH D002292, MONDO:0005086, HP:0005584.

Submission:

Labcorp Genetics (formerly Invitae), Labcorp
Classification: Uncertain significance for Renal cell carcinoma. Last evaluated: 2021-08-28. Review status: criteria provided, single submitter. Criteria: Invitae Variant Classification Sherloc (09022015). Collection method: clinical testing. Allele origin: germline.
Comment: This sequence change replaces isoleucine with methionine at codon 933 of the MET protein (p.Ile933Met). The isoleucine residue is weakly conserved and there is a small physicochemical difference between isoleucine and methionine. This variant is not present in population databases (ExAC no frequency). This variant has not been reported in the literature in individuals affected with MET-related conditions. Algorithms developed to predict the effect of missense changes on protein structure and function are either unavailable or do not agree on the potential impact of this missense change (SIFT: "Tolerated"; PolyPhen-2: "Possibly Damaging"; Align-GVGD: "Class C0"). In summary, the available evidence is currently insufficient to determine the role of this variant in disease. Therefore, it has been classified as a Variant of Uncertain Significance.

NM_000245.4(MET):c.2745T>G (p.Ile915Met)

Gene: MET (MET proto-oncogene, receptor tyrosine kinase; plus strand). Cytogenetic location: 7q31.2.
Variant type: single nucleotide variant.
Coding change: c.2745T>G on transcript NM_000245.4 (MANE Select); coding-DNA position 2745, T replaced by G.
Protein change: p.Ile915Met; replaces isoleucine 915 with methionine.
Molecular consequence: missense variant.
Genome position (GRCh38, 1-based): chr7:116,771,512, T>G. VCF-style: chr7-116771512-T-G. GRCh37 (hg19) VCF-style: chr7-116411566-T-G.
Other names: c.2799T>G (LRG_662t1); c.2799T>G, p.Ile933Met (NM_001127500.3); c.1455T>G, p.Ile485Met (NM_001324402.2); short protein forms I933M, I485M, I915M.
Identifiers: ClinVar variation 454222 (VCV000454222.7), dbSNP rs1554398244, ClinGen allele CA368986248.